The following is an entry in ClinVar:

NM_000101.4(CYBA):c.433G>A (p.Gly145Arg)

Gene: CYBA (cytochrome b-245 alpha chain; minus strand). Cytogenetic location: 16q24.2.
Variant type: single nucleotide variant.
Coding change: c.433G>A on transcript NM_000101.4 (MANE Select); coding-DNA position 433, G replaced by A.
Protein change: p.Gly145Arg; replaces glycine 145 with arginine.
Molecular consequence: missense variant.
Genome position (GRCh38, 1-based): chr16:88,643,508, C>T on the plus strand (G>A on the coding strand, the complement: CYBA is on the minus strand). VCF-style: chr16-88643508-C-T. GRCh37 (hg19) VCF-style: chr16-88709916-C-T.
Other names: c.433G>A (NM_000101.2); short protein forms G145R.
Identifiers: ClinVar variation 1696081 (VCV001696081.5), dbSNP rs576565258, ClinGen allele CA8228196.

ClinVar aggregate classification (germline): Conflicting classifications of pathogenicity. Review status: criteria provided, conflicting classifications (1 of 4 stars). 4 submissions from 4 submitters: Uncertain significance (3); Likely benign (1). Last evaluated 2025-12-09.

Conditions:
Inborn genetic diseases. Identifiers: MedGen C0950123, MeSH D030342.
Granulomatous disease, chronic, autosomal recessive, cytochrome b-negative. Also called: CYBA DEFICIENCY; CGD DUE TO DEFICIENCY OF THE ALPHA SUBUNIT OF CYTOCHROME b; CGD, AUTOSOMAL RECESSIVE CYTOCHROME b-NEGATIVE; GRANULOMATOUS DISEASE, CHRONIC, AUTOSOMAL RECESSIVE, 4; Chronic granulomatous disease, autosomal, due to deficiency of CYBA. Identifiers: Orphanet 379, MedGen C1856255, MONDO:0009308, OMIM 233690.

Allele frequency attached by ClinVar (database versions not stated): gnomAD 0.00001 and 0.00006; TOPMed 0.00004; gnomAD exomes 0.00006 and 0.00012; ExAC 0.00061; 1000 Genomes Project 30x 0.00062; 1000 Genomes Project 0.00080.
gnomAD v4.1: 87 of 1,534,484 alleles (0.0057%); highest among the groups gnomAD compares: South Asian, 0.076%; no homozygotes.

Submissions (4):

Ambry Genetics
Classification: Uncertain significance for Inborn genetic diseases. Last evaluated: 2025-12-09. Review status: criteria provided, single submitter. Criteria: Ambry Variant Classification Scheme 2023. Collection method: clinical testing. Allele origin: germline.

Blueprint Genetics
Classification: Uncertain significance. Last evaluated: 2022-06-15. Review status: criteria provided, single submitter. Criteria: ACMG Guidelines, 2015. Collection method: clinical testing. Allele origin: germline.

Women's Health and Genetics/Laboratory Corporation of America, LabCorp
Classification: Likely benign. Last evaluated: 2022-05-24. Review status: criteria provided, single submitter. Criteria: LabCorp Variant Classification Summary - May 2015. Collection method: clinical testing. Allele origin: germline.
Comment: Variant summary: CYBA c.433G>A (p.Gly145Arg) results in a non-conservative amino acid change in the encoded protein sequence. Four of five in-silico tools predict a damaging effect of the variant on protein function. The variant allele was found at a frequency of 0.00012 in 131362 control chromosomes, predominantly at a frequency of 0.00067 within the South Asian subpopulation in the gnomAD database. The observed variant frequency within South Asian control individuals in the gnomAD database is approximately 1.1 fold of the estimated maximal expected allele frequency for a pathogenic variant in CYBA causing Chronic Granulomatous Disease phenotype (0.00061), strongly suggesting that the variant is a benign polymorphism found primarily in populations of South Asian origin. To our knowledge, no occurrence of c.433G>A in individuals affected with Chronic Granulomatous Disease and no experimental evidence demonstrating its impact on protein function have been reported. No clinical diagnostic laboratories have submitted clinical-significance assessments for this variant to ClinVar after 2014. Based on the evidence outlined above, the variant was classified as likely benign.

Labcorp Genetics (formerly Invitae), Labcorp
Classification: Uncertain significance for Granulomatous disease, chronic, autosomal recessive, cytochrome b-negative. Last evaluated: 2021-11-16. Review status: criteria provided, single submitter. Criteria: Invitae Variant Classification Sherloc (09022015). Collection method: clinical testing. Allele origin: germline.
Comment: This sequence change replaces glycine, which is neutral and non-polar, with arginine, which is basic and polar, at codon 145 of the CYBA protein (p.Gly145Arg). This variant is present in population databases (rs576565258, gnomAD 0.07%). This variant has not been reported in the literature in individuals affected with CYBA-related conditions. Algorithms developed to predict the effect of missense changes on protein structure and function are either unavailable or do not agree on the potential impact of this missense change (SIFT: "Deleterious"; PolyPhen-2: "Probably Damaging"; Align-GVGD: "Class C0"). In summary, the available evidence is currently insufficient to determine the role of this variant in disease. Therefore, it has been classified as a Variant of Uncertain Significance.